The following is an entry in ClinVar:

NM_007129.5(ZIC2):c.648C>T (p.Pro216=)

Gene: ZIC2 (Zic family zinc finger 2; plus strand). Cytogenetic location: 13q32.3.
Variant type: single nucleotide variant.
Coding change: c.648C>T on transcript NM_007129.5 (MANE Select); coding-DNA position 648, C replaced by T.
Protein change: p.Pro216=; no amino-acid change (proline 216 retained).
Molecular consequence: synonymous variant.
Genome position (GRCh38, 1-based): chr13:99,982,712, C>T. VCF-style: chr13-99982712-C-T. GRCh37 (hg19) VCF-style: chr13-100634966-C-T.
Identifiers: ClinVar variation 3905016 (VCV003905016.10).
Genomic context (GRCh38, chr13:99,982,712, plus strand): 5'-GGTGGCCAGCCCGCGGACCGACCCCTACTCGGCGGCGCAACTCCACAACCAGTACGGCCC[C>T]ATGAATATGAACATGGGTATGAACATGGCAGCAGCCGCGGCCCACCACCACCACCACCAC-3'
Protein context (NP_009060.2, residues 206-226): SAAQLHNQYG[Pro216=]MNMNMGMNMA

ClinVar aggregate classification (germline): Likely benign (1 of 4 stars; one submission).

Submission:

CeGaT Center for Human Genetics Tuebingen
Classification: Likely benign. Last evaluated: 2025-05-01. Review status: criteria provided, single submitter. Criteria: CeGaT Center For Human Genetics Tuebingen Variant Classification Criteria Version 2. Collection method: clinical testing. Allele origin: germline. Affected: yes. Observed: 1 variant allele.
Comment: ZIC2: BP4, BP7